The following is an entry in ClinVar:

ClinVar aggregate classification (germline): Uncertain significance (1 of 4 stars; one submission).

Conditions:
Osteogenesis imperfecta type 8 (OI8). Identifiers: MedGen C1970458, MONDO:0012581, OMIM 610915.

Submission:

Labcorp Genetics (formerly Invitae), Labcorp
Classification: Uncertain significance for Osteogenesis imperfecta type 8. Last evaluated: 2022-02-19. Review status: criteria provided, single submitter. Criteria: Invitae Variant Classification Sherloc (09022015). Collection method: clinical testing. Allele origin: germline.
Comment: In summary, the available evidence is currently insufficient to determine the role of this variant in disease. Therefore, it has been classified as a Variant of Uncertain Significance. Algorithms developed to predict the effect of missense changes on protein structure and function (SIFT, PolyPhen-2, Align-GVGD) all suggest that this variant is likely to be tolerated. This variant has not been reported in the literature in individuals affected with P3H1-related conditions. This variant is not present in population databases (gnomAD no frequency). This sequence change replaces serine, which is neutral and polar, with leucine, which is neutral and non-polar, at codon 392 of the P3H1 protein (p.Ser392Leu).

NM_022356.4(P3H1):c.1175C>T (p.Ser392Leu)

Gene: P3H1 (prolyl 3-hydroxylase 1; minus strand). Cytogenetic location: 1p34.2.
Variant type: single nucleotide variant.
Coding change: c.1175C>T on transcript NM_022356.4 (MANE Select); coding-DNA position 1175, C replaced by T.
Protein change: p.Ser392Leu; replaces serine 392 with leucine.
Molecular consequence: missense variant.
Genome position (GRCh38, 1-based): chr1:42,755,213, G>A on the plus strand (C>T on the coding strand, the complement: P3H1 is on the minus strand). VCF-style: chr1-42755213-G-A. GRCh37 (hg19) VCF-style: chr1-43220884-G-A.
Other names: c.1175C>T, p.Ser392Leu (NM_001146289.2, NM_001243246.2); short protein forms S392L.
Identifiers: ClinVar variation 2099747 (VCV002099747.4), dbSNP rs2524452656, ClinGen allele CA339958132.